The following is an entry in ClinVar:

ClinVar aggregate classification (germline): Uncertain significance. Review status: criteria provided, multiple submitters, no conflicts (2 of 4 stars). 3 submissions from 3 submitters: Uncertain significance (3). Last evaluated 2024-07-16.

Conditions:
Ataxia-pancytopenia syndrome (ATXPC). Also called: SAMD9L-Related Syndrome; SAMD9L Ataxia-Pancytopenia Syndrome. Identifiers: Orphanet 2585, MedGen C1327919, MONDO:0008038, OMIM 159550.
SAMD9L-related disorder. Also called: SAMD9L-related condition; SAMD9L-related disorders.

Allele frequency attached by ClinVar (database versions not stated): gnomAD exomes below 0.00001; TOPMed below 0.00001.

Submissions (3):

St. Jude Molecular Pathology, St. Jude Children's Research Hospital
Classification: Uncertain significance for Ataxia-pancytopenia syndrome. Last evaluated: 2024-07-16. Review status: criteria provided, single submitter. Criteria: St. Jude Assertion Criteria 2020. Collection method: clinical testing. Allele origin: germline.
Comment: The SAMD9L c.1193_1194insTAAACCTCTCCTATGAGA (p.Leu398_Val399insLysProLeuLeuTer) change inserts 18 nucleotides that results in the creation of a premature stop codon. The functional significance of this variant is currently unknown. This variant has not been reported in individuals with ataxia-pancytopenia syndrome or monosomy 7. In summary, the evidence currently available is insufficient to determine the clinical significance of this variant. It has therefore been classified as of uncertain significance.?

PreventionGenetics, part of Exact Sciences
Classification: Uncertain significance for SAMD9L-related condition. Last evaluated: 2023-09-12. Review status: criteria provided, single submitter. Criteria: ACMG Guidelines, 2015. Collection method: clinical testing. Allele origin: germline.
Comment: The SAMD9L c.1193_1194insTAAACCTCTCCTATGAGA variant is predicted to result in an in-frame amino acid insertion (p.Leu398_Val399insLysProLeuLeu*). To our knowledge, this variant has not been reported in the literature or in a large population database, indicating this variant is rare, and is listed in ClinVar as uncertain. At this time, the clinical significance of this variant is uncertain due to the absence of conclusive functional and genetic evidence.

GeneDx
Classification: Uncertain significance. Last evaluated: 2020-03-31. Review status: criteria provided, single submitter. Criteria: GeneDx Variant Classification Process June 2021. Collection method: clinical testing. Allele origin: germline. Affected: yes.
Comment: Not observed in large population cohorts (Lek et al., 2016); Nonsense variant predicted to result in protein truncation in a gene for which loss-of-function is not a known mechanism of disease; Has not been previously published as pathogenic or benign to our knowledge

NM_152703.5(SAMD9L):c.1193_1194insTAAACCTCTCCTATGAGA (p.Leu398_Val399insLysProLeuLeuTer)

Gene: SAMD9L (sterile alpha motif domain containing 9 like; minus strand). Cytogenetic location: 7q21.2.
Variant type: Insertion.
Coding change: c.1193_1194insTAAACCTCTCCTATGAGA on transcript NM_152703.5 (MANE Select); coding-DNA positions 1193 to 1194, TAAACCTCTCCTATGAGA inserted.
Protein change: p.Leu398_Val399insLysProLeuLeuTer.
Molecular consequence: nonsense, inframe insertion.
Genome position: GRCh38 VCF-style: chr7-93134778-C-CTCTCATAGGAGAGGTTTA. GRCh37 (hg19) VCF-style: chr7-92764091-C-CTCTCATAGGAGAGGTTTA.
Other names: c.1193_1194insTAAACCTCTCCTATGAGA, p.Leu398_Val399insLysProLeuLeuTer (NM_001303496.3, NM_001303497.3, NM_001303498.3 and 5 more transcripts).
Identifiers: ClinVar variation 1318680 (VCV001318680.4), dbSNP rs1792339875, ClinGen allele CA1726217015.